The following is an entry in ClinVar:

NM_000264.5(PTCH1):c.4244C>A (p.Pro1415His)

Gene: PTCH1 (patched 1; minus strand). Cytogenetic location: 9q22.32.
Variant type: single nucleotide variant.
Coding change: c.4244C>A on transcript NM_000264.5 (MANE Select); coding-DNA position 4244, C replaced by A.
Protein change: p.Pro1415His; replaces proline 1415 with histidine.
Molecular consequence: missense variant. On other transcripts: non-coding transcript variant (1).
Genome position (GRCh38, 1-based): chr9:95,447,012, G>T on the plus strand (C>A on the coding strand, the complement: PTCH1 is on the minus strand). VCF-style: chr9-95447012-G-T. GRCh37 (hg19) VCF-style: chr9-98209294-G-T.
Other names: c.4046C>A, p.Pro1349His (NM_001083602.3); c.4241C>A, p.Pro1414His (NM_001083603.3); c.3791C>A, p.Pro1264His (NM_001083604.3, NM_001083605.3, NM_001083606.3 and 1 more transcripts); c.4088C>A, p.Pro1363His (NM_001354918.2); short protein forms P1349H, P1363H, P1415H, P1264H, P1414H.
Identifiers: ClinVar variation 3635827 (VCV003635827.2).

ClinVar aggregate classification (germline): Uncertain significance (1 of 4 stars; one submission).

Conditions:
Gorlin syndrome. Also called: Nevoid Basal Cell Carcinoma Syndrome; Basal cell nevus syndrome. Identifiers: Orphanet 377, MedGen C0004779, MONDO:0007187.

Submission:

Labcorp Genetics (formerly Invitae), Labcorp
Classification: Uncertain significance for Gorlin syndrome. Last evaluated: 2024-06-30. Review status: criteria provided, single submitter. Criteria: Invitae Variant Classification Sherloc (09022015). Collection method: clinical testing. Allele origin: germline.
Comment: This sequence change replaces proline, which is neutral and non-polar, with histidine, which is basic and polar, at codon 1415 of the PTCH1 protein (p.Pro1415His). This variant is not present in population databases (gnomAD no frequency). This variant has not been reported in the literature in individuals affected with PTCH1-related conditions. Advanced modeling of protein sequence and biophysical properties (such as structural, functional, and spatial information, amino acid conservation, physicochemical variation, residue mobility, and thermodynamic stability) performed at Invitae indicates that this missense variant is not expected to disrupt PTCH1 protein function with a negative predictive value of 95%. In summary, the available evidence is currently insufficient to determine the role of this variant in disease. Therefore, it has been classified as a Variant of Uncertain Significance.